The following is an entry in ClinVar:

ClinVar aggregate classification (germline): Likely pathogenic (1 of 4 stars; one submission).

Conditions:
Propionic acidemia (PROP). Also called: GLYCINEMIA, KETOTIC; HYPERGLYCINEMIA WITH KETOACIDOSIS AND LEUKOPENIA; KETOTIC HYPERGLYCINEMIA. Identifiers: Orphanet 35, MedGen C0268579, MONDO:0011628, OMIM 606054, HP:0003571.

Submission:

3billion
Classification: Likely pathogenic for Propionic acidemia. Last evaluated: 2025-06-26. Review status: criteria provided, single submitter. Criteria: ACMG Guidelines, 2015. Collection method: clinical testing. Allele origin: germline. Affected: yes.
Comment: The variant is not observed in the gnomAD v4.1.0 dataset. Predicted Consequence/Location: Canonical splice site: predicted to alter splicing and result in a loss or disruption of normal protein function. Multiple pathogenic loss-of-function variants are reported downstream of the variant. Therefore, this variant is classified as Likely pathogenic according to the recommendation of ACMG/AMP guideline.

NM_000282.4(PCCA):c.1540+2T>C

Gene: PCCA (propionyl-CoA carboxylase subunit alpha; plus strand). Cytogenetic location: 13q32.3.
Variant type: single nucleotide variant.
Coding change: c.1540+2T>C on transcript NM_000282.4 (MANE Select); the canonical splice donor site of the intron after coding-DNA position 1540, T replaced by C.
Molecular consequence: splice donor variant.
Genome position (GRCh38, 1-based): chr13:100,330,673, T>C. VCF-style: chr13-100330673-T-C. GRCh37 (hg19) VCF-style: chr13-100982927-T-C.
Other names: c.1540+2T>C (NM_001178004.2, NM_001352605.2, NM_001352609.2); c.1396+2T>C (NM_001352606.2); c.595+2T>C (NM_001352610.2, NM_001352611.2); c.451+2T>C (NM_001352612.2); c.1462+2T>C (NM_001127692.3, NM_001352607.2); c.1318+2T>C (NM_001352608.2).
Identifiers: ClinVar variation 4854502 (VCV004854502.1).
Genomic context (GRCh38, chr13:100,330,673, plus strand): 5'-TGTAAAAGGAGACATCAGCACTAAATTTCTCTCCGATGTGTATCCTGATGGCTTCAAAGG[T>C]TTGTATGCATTAAAATATTTTAGTGTTTTAAAGTTGTTATTTTTATACTTTATTGTAATA-3'